The following is an entry in ClinVar:

ClinVar aggregate classification (germline): Uncertain significance. Review status: criteria provided, multiple submitters, no conflicts (2 of 4 stars). 3 submissions from 3 submitters: Uncertain significance (3). Last evaluated 2024-08-05.

Conditions:
Amelocerebrohypohidrotic syndrome (KTZS). Also called: Kohlschutter's syndrome; EPILEPSY AND YELLOW TEETH; EPILEPSY, DEMENTIA, AND AMELOGENESIS IMPERFECTA; KOHLSCHUTTER SYNDROME. Identifiers: Orphanet 1946, MedGen C0406740, MONDO:0009185, OMIM 226750.
Inborn genetic diseases. Identifiers: MedGen C0950123, MeSH D030342.

Allele frequency attached by ClinVar (database versions not stated): gnomAD exomes 0.00002 and 0.00005; ExAC 0.00004; ESP Exome Variant Server 0.00008; gnomAD 0.00014; TOPMed 0.00014; 1000 Genomes Project 0.00020; 1000 Genomes Project 30x 0.00031.
gnomAD v4.1: 52 of 1,557,322 alleles (0.0033%); highest among the groups gnomAD compares: African/African-American, 0.039%; no homozygotes.

Submissions (3):

Ambry Genetics
Classification: Uncertain significance for Inborn genetic diseases. Last evaluated: 2024-08-05. Review status: criteria provided, single submitter. Criteria: Ambry Variant Classification Scheme 2023. Collection method: clinical testing. Allele origin: germline.

Blueprint Genetics
Classification: Uncertain significance. Last evaluated: 2022-07-12. Review status: criteria provided, single submitter. Criteria: ACMG Guidelines, 2015. Collection method: clinical testing. Allele origin: germline.

Labcorp Genetics (formerly Invitae), Labcorp
Classification: Uncertain significance for Amelocerebrohypohidrotic syndrome. Last evaluated: 2021-08-27. Review status: criteria provided, single submitter. Criteria: Invitae Variant Classification Sherloc (09022015). Collection method: clinical testing. Allele origin: germline.
Comment: This sequence change replaces phenylalanine with leucine at codon 261 of the ROGDI protein (p.Phe261Leu). The phenylalanine residue is moderately conserved and there is a small physicochemical difference between phenylalanine and leucine. This variant is present in population databases (rs371511979, ExAC 0.04%). This variant has not been reported in the literature in individuals affected with ROGDI-related conditions. Algorithms developed to predict the effect of missense changes on protein structure and function (SIFT, PolyPhen-2, Align-GVGD) all suggest that this variant is likely to be tolerated. In summary, the available evidence is currently insufficient to determine the role of this variant in disease. Therefore, it has been classified as a Variant of Uncertain Significance.

NM_024589.3(ROGDI):c.781T>C (p.Phe261Leu)

Gene: ROGDI (rogdi atypical leucine zipper; minus strand). Cytogenetic location: 16p13.3.
Variant type: single nucleotide variant.
Coding change: c.781T>C on transcript NM_024589.3 (MANE Select); coding-DNA position 781, T replaced by C.
Protein change: p.Phe261Leu; replaces phenylalanine 261 with leucine.
Molecular consequence: missense variant. On other transcripts: non-coding transcript variant (1).
Genome position (GRCh38, 1-based): chr16:4,797,755, A>G on the plus strand (T>C on the coding strand, the complement: ROGDI is on the minus strand). VCF-style: chr16-4797755-A-G. GRCh37 (hg19) VCF-style: chr16-4847756-A-G.
Other names: c.781T>C (NM_024589.1); short protein forms F261L.
Identifiers: ClinVar variation 567743 (VCV000567743.6), dbSNP rs371511979, ClinGen allele CA7882487.